The following is an entry in ClinVar:

ClinVar aggregate classification (germline): Pathogenic (1 of 4 stars; one submission).

Submission:

Labcorp Genetics (formerly Invitae), Labcorp
Classification: Pathogenic. Last evaluated: 2021-06-08. Review status: criteria provided, single submitter. Criteria: Invitae Variant Classification Sherloc (09022015). Collection method: clinical testing. Allele origin: germline.
Comment: This sequence change affects an acceptor splice site in intron 72 of the LRP2 gene. It is expected to disrupt RNA splicing. Variants that disrupt the donor or acceptor splice site typically lead to a loss of protein function (PMID: 16199547), and loss-of-function variants in LRP2 are known to be pathogenic (PMID: 17632512, 25682901). This variant is not present in population databases (ExAC no frequency). This variant has been observed in individual(s) with Donnai-Barrow syndrome (Invitae). In at least one individual the data is consistent with the variant being in trans (on the opposite chromosome) from a pathogenic variant. Algorithms developed to predict the effect of sequence changes on RNA splicing suggest that this variant may disrupt the consensus splice site, but this prediction has not been confirmed by published transcriptional studies. For these reasons, this variant has been classified as Pathogenic.

Literature cited by the submitters: PubMed 16199547; PubMed 17632512; PubMed 25682901.

NM_004525.3(LRP2):c.13200-2A>G

Gene: LRP2 (LDL receptor related protein 2; minus strand). Cytogenetic location: 2q31.1.
Variant type: single nucleotide variant.
Coding change: c.13200-2A>G on transcript NM_004525.3 (MANE Select); the canonical splice acceptor site of the intron before coding-DNA position 13200, A replaced by G.
Molecular consequence: splice acceptor variant.
Genome position (GRCh38, 1-based): chr2:169,139,612, T>C on the plus strand (A>G on the coding strand, the complement: LRP2 is on the minus strand). VCF-style: chr2-169139612-T-C. GRCh37 (hg19) VCF-style: chr2-169996122-T-C.
Identifiers: ClinVar variation 1454326 (VCV001454326.6), dbSNP rs2105338187, ClinGen allele CA349157531.